The following is an entry in ClinVar:

NM_001903.5(CTNNA1):c.267G>C (p.Glu89Asp)

Gene: CTNNA1 (catenin alpha 1; plus strand). Cytogenetic location: 5q31.2.
Variant type: single nucleotide variant.
Coding change: c.267G>C on transcript NM_001903.5 (MANE Select); coding-DNA position 267, G replaced by C.
Protein change: p.Glu89Asp; replaces glutamic acid 89 with aspartic acid.
Molecular consequence: missense variant. On other transcripts: intron variant (2).
Genome position (GRCh38, 1-based): chr5:138,783,338, G>C. VCF-style: chr5-138783338-G-C. GRCh37 (hg19) VCF-style: chr5-138119027-G-C.
Other names: c.267G>C, p.Glu89Asp (NM_001290307.3, NM_001323982.2, NM_001323983.1 and 3 more transcripts); c.-6+66G>C (NM_001290310.3); c.-9+1309G>C (NM_001290309.3); short protein forms E89D.
Identifiers: ClinVar variation 3498273 (VCV003498273.3).

ClinVar aggregate classification (germline): Uncertain significance. Review status: criteria provided, multiple submitters, no conflicts (2 of 4 stars). 2 submissions from 2 submitters: Uncertain significance (2). Last evaluated 2025-09-22.

Conditions:
Hereditary cancer-predisposing syndrome. Also called: Tumor predisposition; Neoplastic Syndromes, Hereditary; Hereditary Cancer Syndrome; Hereditary neoplastic syndrome. Identifiers: Orphanet 140162, MedGen C0027672, MeSH D009386, MONDO:0015356.

gnomAD v4.1: 1 of 1,614,048 alleles (0.000062%); highest among the groups gnomAD compares: South Asian, 0.0011%; no homozygotes.

Submissions (2):

Labcorp Genetics (formerly Invitae), Labcorp
Classification: Uncertain significance. Last evaluated: 2025-09-22. Review status: criteria provided, single submitter. Criteria: Invitae Variant Classification Sherloc (09022015). Collection method: clinical testing. Allele origin: germline.
Comment: This sequence change replaces glutamic acid, which is acidic and polar, with aspartic acid, which is acidic and polar, at codon 89 of the CTNNA1 protein (p.Glu89Asp). This variant is not present in population databases (gnomAD no frequency). This variant has not been reported in the literature in individuals affected with CTNNA1-related conditions. ClinVar contains an entry for this variant (Variation ID: 3498273). Invitae Evidence Modeling of protein sequence and biophysical properties (such as structural, functional, and spatial information, amino acid conservation, physicochemical variation, residue mobility, and thermodynamic stability) indicates that this missense variant is not expected to disrupt CTNNA1 protein function with a negative predictive value of 80%. In summary, the available evidence is currently insufficient to determine the role of this variant in disease. Therefore, it has been classified as a Variant of Uncertain Significance.

Ambry Genetics
Classification: Uncertain significance for Hereditary cancer-predisposing syndrome. Last evaluated: 2024-11-22. Review status: criteria provided, single submitter. Criteria: Ambry Variant Classification Scheme 2023. Collection method: clinical testing. Allele origin: germline.
Comment: The p.E89D variant (also known as c.267G>C), located in coding exon 2 of the CTNNA1 gene, results from a G to C substitution at nucleotide position 267. The glutamic acid at codon 89 is replaced by aspartic acid, an amino acid with highly similar properties. This amino acid position is conserved. In addition, the in silico prediction for this alteration is inconclusive. Based on the available evidence, the clinical significance of this variant remains unclear.